The following is an entry in ClinVar:

ClinVar aggregate classification (germline): Likely pathogenic (1 of 4 stars; one submission).

Submission:

Labcorp Genetics (formerly Invitae), Labcorp
Classification: Likely pathogenic. Last evaluated: 2019-11-12. Review status: criteria provided, single submitter. Criteria: Invitae Variant Classification Sherloc (09022015). Collection method: clinical testing. Allele origin: germline.
Comment: This variant results in a copy number gain of the genomic region encompassing exons 13-15 of the PHEX gene. While the exact position of this variant cannot be determined from this data, sub-genic copy number gains are generally in tandem (PMID: 25640679) and may result in an absent or disrupted protein product. This variant has not been reported in the literature in individuals with PHEX-related conditions. Loss-of-function variants in PHEX are known to be pathogenic (PMID: 9097956, 9106524, 19219621). In summary, the currently available evidence indicates that the variant is pathogenic, but additional data are needed to prove that conclusively. Therefore, this variant has been classified as Likely Pathogenic.

Literature cited by the submitters: PubMed 25640679; PubMed 9097956; PubMed 9106524; PubMed 19219621.

NC_000023.11:g.(?_22168312)_(22190502_?)dup

Gene: PHEX (phosphate regulating endopeptidase X-linked; plus strand). Cytogenetic location: Xp22.11.
Variant type: Duplication.
Identifiers: ClinVar variation 831365 (VCV000831365.2).